The following is an entry in ClinVar:

NM_007255.3(B4GALT7):c.319G>C (p.Glu107Gln)

Gene: B4GALT7 (beta-1,4-galactosyltransferase 7; plus strand). Cytogenetic location: 5q35.3.
Variant type: single nucleotide variant.
Coding change: c.319G>C on transcript NM_007255.3 (MANE Select); coding-DNA position 319, G replaced by C.
Protein change: p.Glu107Gln; replaces glutamic acid 107 with glutamine.
Molecular consequence: missense variant.
Genome position (GRCh38, 1-based): chr5:177,604,447, G>C. VCF-style: chr5-177604447-G-C. GRCh37 (hg19) VCF-style: chr5-177031448-G-C.
Other names: short protein forms E107Q.
Identifiers: ClinVar variation 1484495 (VCV001484495.4), dbSNP rs1767927068, ClinGen allele CA362373879.

ClinVar aggregate classification (germline): Uncertain significance (1 of 4 stars; one submission).

Conditions:
Spondylodysplastic Ehlers-Danlos syndrome. Identifiers: Orphanet 536471, Orphanet 75496, MedGen C5680154, MONDO:0007526.

Allele frequency attached by ClinVar (database versions not stated): gnomAD exomes below 0.00001.
gnomAD v4.1: 1 of 1,613,996 alleles (0.000062%); highest among the groups gnomAD compares: East Asian, 0.0022%; no homozygotes.

Submission:

Labcorp Genetics (formerly Invitae), Labcorp
Classification: Uncertain significance for Spondylodysplastic Ehlers-Danlos syndrome. Last evaluated: 2022-09-01. Review status: criteria provided, single submitter. Criteria: Invitae Variant Classification Sherloc (09022015). Collection method: clinical testing. Allele origin: germline.
Comment: This variant is not present in population databases (gnomAD no frequency). In summary, the available evidence is currently insufficient to determine the role of this variant in disease. Therefore, it has been classified as a Variant of Uncertain Significance. Algorithms developed to predict the effect of missense changes on protein structure and function are either unavailable or do not agree on the potential impact of this missense change (SIFT: "Deleterious"; PolyPhen-2: "Probably Damaging"; Align-GVGD: "Class C0"). ClinVar contains an entry for this variant (Variation ID: 1484495). This missense change has been observed in individual(s) with clinical features of Ehlers-Danlos syndrome (EDS), spondylodysplastic type 1 (PMID: 32429945). This sequence change replaces glutamic acid, which is acidic and polar, with glutamine, which is neutral and polar, at codon 107 of the B4GALT7 protein (p.Glu107Gln).

Literature cited by the submitters: PubMed 32429945.